The following is an entry in ClinVar:

NM_033380.3(COL4A5):c.3790+5G>A

Gene: COL4A5 (collagen type IV alpha 5 chain; plus strand). Cytogenetic location: Xq22.3.
Variant type: single nucleotide variant.
Coding change: c.3790+5G>A on transcript NM_033380.3 (MANE Select); 5 bases into the intron after coding-DNA position 3790, G replaced by A.
Molecular consequence: intron variant.
Genome position (GRCh38, 1-based): chrX:108,668,509, G>A. VCF-style: chrX-108668509-G-A. GRCh37 (hg19) VCF-style: chrX-107911739-G-A.
Other names: c.3790+5G>A (NM_000495.4, NM_000495.5).
Identifiers: ClinVar variation 4740823 (VCV004740823.3).

ClinVar aggregate classification (germline): Uncertain significance. Review status: criteria provided, multiple submitters, no conflicts (2 of 4 stars). 3 submissions from 3 submitters: Uncertain significance (3). Last evaluated 2026-08-07.

Conditions:
COL4A5-related disorder. Also called: COL4A5-related condition.

gnomAD v4.1: 28 of 1,153,498 alleles (0.0024%); highest among the groups gnomAD compares: Non-Finnish European, 0.0031%; no homozygotes.

Submissions (3):

PreventionGenetics, part of Exact Sciences
Classification: Uncertain significance for COL4A5-related condition. Last evaluated: 2026-08-07. Review status: criteria provided, single submitter. Criteria: ACMG Guidelines, 2015. Collection method: clinical testing. Allele origin: germline.
Comment: The COL4A5 c.3790+5G>A variant is predicted to interfere with splicing. To our knowledge, this variant has not been reported in the literature or in a large population database (gnomAD), indicating this variant is rare. This variant is predicted to alter splicing based on available splicing prediction programs (SpliceAI, Jaganathan et al. 2019. PubMed ID: 30661751). However, the use of computer prediction programs is not equivalent to functional evidence. Of note, variants affecting this splice donor site (c.3790G>A, c.3790+1G>T, c.3790+1G>A) have been reported in individuals with Alport syndrome (Nozu et al. 2014. PubMed ID: 25183659; Zhang et al. 2018. PubMed ID: 30282166; Table S1, Di et al. 2022. PubMed ID: 35020912). Although we suspect that this variant may be pathogenic, at this time, the clinical significance of this variant is uncertain due to the absence of conclusive functional and genetic evidence.

Labcorp Genetics (formerly Invitae), Labcorp
Classification: Uncertain significance. Last evaluated: 2025-07-13. Review status: criteria provided, single submitter. Criteria: Invitae Variant Classification Sherloc (09022015). Collection method: clinical testing. Allele origin: germline.
Comment: This sequence change falls in intron 41 of the COL4A5 gene. It does not directly change the encoded amino acid sequence of the COL4A5 protein. It affects a nucleotide within the consensus splice site. This variant is not present in population databases (gnomAD no frequency). This variant has not been reported in the literature in individuals affected with COL4A5-related conditions. Variants that disrupt the consensus splice site are a relatively common cause of aberrant splicing (PMID: 17576681, 9536098). Algorithms developed to predict the effect of sequence changes on RNA splicing suggest that this variant is not likely to affect RNA splicing. In summary, the available evidence is currently insufficient to determine the role of this variant in disease. Therefore, it has been classified as a Variant of Uncertain Significance.

Blueprint Genetics
Classification: Uncertain significance. Last evaluated: 2024-04-25. Review status: criteria provided, single submitter. Criteria: ACMG Guidelines, 2015. Collection method: clinical testing. Allele origin: germline.

Literature cited by the submitters: PubMed 17576681 (cited by Labcorp Genetics (formerly Invitae), Labcorp); PubMed 9536098 (cited by Labcorp Genetics (formerly Invitae), Labcorp).